The following is an entry in ClinVar:

ClinVar aggregate classification (germline): Conflicting classifications of pathogenicity. Review status: criteria provided, conflicting classifications (1 of 4 stars). 2 submissions from 2 submitters: Pathogenic (1); Uncertain significance (1). Last evaluated 2024-08-20.

Conditions:
CLRN1-related disorder. Also called: CLRN1-related condition.

Submissions (2):

Women's Health and Genetics/Laboratory Corporation of America, LabCorp
Classification: Uncertain significance. Last evaluated: 2024-08-20. Review status: criteria provided, single submitter. Criteria: LabCorp Variant Classification Summary - May 2015. Collection method: clinical testing. Allele origin: germline.
Comment: Variant summary: CLRN1 c.149_152delinsGTCCAAT (p.Ser50_Gly51delinsCysProMet) results in an in-frame deletion-insertion that is predicted to delete 2 amino acids from the protein and also cause changes in 3 amino acids. The variant was absent in 1461890 control chromosomes. The available data on variant occurrences in the general population are insufficient to allow any conclusion about variant significance. To our knowledge, no occurrence of c.149_152delinsGTCCAAT in individuals affected with Usher Syndrome and no experimental evidence demonstrating its impact on protein function have been reported. No submitters have cited clinical-significance assessments for this variant to ClinVar. Based on the evidence outlined above, the variant was classified as uncertain significance.

Blueprint Genetics
Classification: Pathogenic for CLRN1-related disorders. Last evaluated: 2019-01-07. Review status: criteria provided, single submitter. Criteria: ACMG Guidelines, 2015. Collection method: clinical testing. Allele origin: germline. Affected: yes. Observed: 1 variant allele.

NM_174878.3(CLRN1):c.149_152delinsGTCCAAT (p.Ser50_Gly51delinsCysProMet)

Gene: CLRN1 (clarin 1; minus strand). Cytogenetic location: 3q25.1.
Variant type: Indel.
Coding change: c.149_152delinsGTCCAAT on transcript NM_174878.3 (MANE Select); coding-DNA positions 149 to 152, CAGG replaced by GTCCAAT.
Protein change: p.Ser50_Gly51delinsCysProMet.
Molecular consequence: inframe indel. On other transcripts: non-coding transcript variant (1).
Genome position (GRCh38, 1-based): chr3:150,972,557-150,972,560, CCTG replaced by ATTGGAC on the plus strand (CAGG replaced by GTCCAAT on the coding strand, the reverse complement: CLRN1 is on the minus strand). VCF-style: chr3-150972557-CCTG-ATTGGAC. GRCh37 (hg19) VCF-style: chr3-150690344-CCTG-ATTGGAC.
Other names: c.149_152delinsGTCCAAT, p.Ser50_Gly51delinsCysProMet (NM_001195794.1, NM_001256819.2).
Identifiers: ClinVar variation 3366708 (VCV003366708.2).
Genomic context (GRCh38, chr3:150,972,557, plus strand): 5'-ACACCCTCTCCGTGGAAAAGCCCGTACTGCATTTCACCCATAAACTTGTCCAGCTCCTGC[CCTG>ATTGGAC]AGGCATTGACGAGCAGAGCTCCCGTTTTGCAGAGGACAGTGGCTTTGATCCACAACGGTG-3'